The following is an entry in ClinVar:

NM_000460.4(THPO):c.355C>T (p.Arg119Cys)

Gene: THPO (thrombopoietin; minus strand). Cytogenetic location: 3q27.1.
Variant type: single nucleotide variant.
Coding change: c.355C>T on transcript NM_000460.4 (MANE Select); coding-DNA position 355, C replaced by T.
Protein change: p.Arg119Cys; replaces arginine 119 with cysteine.
Molecular consequence: missense variant.
Genome position (GRCh38, 1-based): chr3:184,373,456, G>A on the plus strand (C>T on the coding strand, the complement: THPO is on the minus strand). VCF-style: chr3-184373456-G-A. GRCh37 (hg19) VCF-style: chr3-184091244-G-A.
Other names: c.355C>T, p.Arg119Cys (NM_001289998.1, NM_001290022.1, NM_001290026.1 and 5 more transcripts); c.775C>T, p.Arg259Cys (NM_001290003.1); short protein forms R119C, R259C.
Identifiers: ClinVar variation 2504918 (VCV002504918.2), dbSNP rs1181555052, ClinGen allele CA355462699.

ClinVar aggregate classification (germline): Likely pathogenic. Review status: criteria provided, single submitter (1 of 4 stars). 2 submissions from 2 submitters: Likely pathogenic (1). 1 of the submissions does not count toward it. Last evaluated 2023-06-09.

Conditions:
Amegakaryocytic thrombocytopenia, congenital, 2 (CAMT2). Identifiers: MedGen C5882679, MONDO:0957575, OMIM 620481.

Allele frequency attached by ClinVar (database versions not stated): gnomAD exomes below 0.00001; TOPMed below 0.00001; gnomAD 0.00001.

Submissions (2):

GeneDx
Classification: Likely pathogenic. Last evaluated: 2023-06-09. Review status: criteria provided, single submitter. Criteria: GeneDx Variant Classification Process June 2021. Collection method: clinical testing. Allele origin: germline. Affected: yes.
Comment: Published functional studies demonstrate a damaging effect with this variant affecting the secretion of THPO and THPO-MPL signaling (Pecci et al., 2018); In silico analysis, which includes protein predictors and evolutionary conservation, supports a deleterious effect; This variant is associated with the following publications: (PMID: 34670170, 36226497, 29191945)

OMIM
Classification: Pathogenic for AMEGAKARYOCYTIC THROMBOCYTOPENIA, CONGENITAL, 2. Last evaluated: 2023-08-28. Review status: no assertion criteria provided. Collection method: literature only. Allele origin: germline. Not counted in ClinVar's aggregate classification.

Literature cited by the submitters: PubMed 29191945 (cited by OMIM).